The following is an entry in ClinVar:

ClinVar aggregate classification (germline): Benign/Likely benign. Review status: criteria provided, multiple submitters, no conflicts (2 of 4 stars). 3 submissions from 3 submitters: Benign (1); Likely benign (1). 1 of the submissions does not count toward it. Last evaluated 2026-09-01.

Conditions:
TNIK-related disorder. Also called: TNIK-related condition.

Allele frequency attached by ClinVar (database versions not stated): gnomAD 0.00007 and 0.00008; gnomAD exomes 0.00011 and 0.00022; TOPMed 0.00013; 1000 Genomes Project 30x 0.00016; 1000 Genomes Project 0.00020; ExAC 0.00029.
gnomAD v4.1: 170 of 1,603,816 alleles (0.011%); highest among the groups gnomAD compares: East Asian, 0.2%; no homozygotes.

Submissions (3):

CeGaT Center for Human Genetics Tuebingen
Classification: Likely benign. Last evaluated: 2026-09-01. Review status: criteria provided, single submitter. Criteria: CeGaT Center For Human Genetics Tuebingen Variant Classification Criteria Version 2. Collection method: clinical testing. Allele origin: germline. Affected: yes. Observed: 1 variant allele.
Comment: TNIK: BP4, BP7

Labcorp Genetics (formerly Invitae), Labcorp
Classification: Benign. Last evaluated: 2019-12-31. Review status: criteria provided, single submitter. Criteria: Invitae Variant Classification Sherloc (09022015). Collection method: clinical testing. Allele origin: germline.

PreventionGenetics, part of Exact Sciences
Classification: Likely benign for TNIK-related condition. Last evaluated: 2019-08-08. Review status: no assertion criteria provided. Collection method: clinical testing. Allele origin: germline. Not counted in ClinVar's aggregate classification.
Comment: This variant is classified as likely benign based on ACMG/AMP sequence variant interpretation guidelines (Richards et al. 2015 PMID: 25741868, with internal and published modifications).

NM_015028.4(TNIK):c.3525G>A (p.Pro1175=)

Gene: TNIK (TRAF2 and NCK interacting kinase; minus strand). Cytogenetic location: 3q26.2.
Variant type: single nucleotide variant.
Coding change: c.3525G>A on transcript NM_015028.4 (MANE Select); coding-DNA position 3525, G replaced by A.
Protein change: p.Pro1175=; no amino-acid change (proline 1175 retained).
Molecular consequence: synonymous variant.
Genome position (GRCh38, 1-based): chr3:171,071,247, C>T on the plus strand (G>A on the coding strand, the complement: TNIK is on the minus strand). VCF-style: chr3-171071247-C-T. GRCh37 (hg19) VCF-style: chr3-170789036-C-T.
Other names: c.3501G>A, p.Pro1167= (NM_001161560.3); c.3438G>A, p.Pro1146= (NM_001161561.3); c.3414G>A, p.Pro1138= (NM_001161562.3); c.3360G>A, p.Pro1120= (NM_001161563.3); c.3336G>A, p.Pro1112= (NM_001161564.3); c.3273G>A, p.Pro1091= (NM_001161565.3); c.3249G>A, p.Pro1083= (NM_001161566.3).
Identifiers: ClinVar variation 747587 (VCV000747587.7), dbSNP rs573971000, ClinGen allele CA2702931.